The following is an entry in ClinVar:

NM_020928.2(ZSWIM6):c.2711G>A (p.Arg904Gln)

Gene: ZSWIM6 (zinc finger SWIM-type containing 6; plus strand). Cytogenetic location: 5q12.1.
Variant type: single nucleotide variant.
Coding change: c.2711G>A on transcript NM_020928.2 (MANE Select); coding-DNA position 2711, G replaced by A.
Protein change: p.Arg904Gln; replaces arginine 904 with glutamine.
Molecular consequence: missense variant.
Genome position (GRCh38, 1-based): chr5:61,541,891, G>A. VCF-style: chr5-61541891-G-A. GRCh37 (hg19) VCF-style: chr5-60837718-G-A.
Other names: c.2711G>A (NM_020928.1); short protein forms R904Q.
Identifiers: ClinVar variation 1353263 (VCV001353263.12), dbSNP rs773561526, ClinGen allele CA119664116.
Genomic context (GRCh38, chr5:61,541,891, plus strand): 5'-TTTCATTGACTCAGGATAATTTTCTAAAACATTTTGTTACCCTGTTTTTATAGGTTATGC[G>A]AATGACACTGTCAACCTTAAATTGGCGACGGCGGGAGATGGTGAGGTGGCTGGTAACGTG-3'
Protein context (NP_065979.1, residues 894-914): VSLELGLQVM[Arg904Gln]MTLSTLNWRR

ClinVar aggregate classification (germline): Uncertain significance. Review status: criteria provided, multiple submitters, no conflicts (2 of 4 stars). 4 submissions from 4 submitters: Uncertain significance (4). Last evaluated 2026-03-01.

Conditions:
Acromelic frontonasal dysostosis (AFND). Identifiers: Orphanet 1827, MedGen C1863616, MONDO:0011359, OMIM 603671.
Neurodevelopmental disorder with movement abnormalities, abnormal gait, and autistic features. Identifiers: MedGen C4693405, MONDO:0060642, OMIM 617865.
Inborn genetic diseases. Identifiers: MedGen C0950123, MeSH D030342.

Allele frequency attached by ClinVar (database versions not stated): TOPMed below 0.00001; gnomAD 0.00001; gnomAD exomes 0.00001.
gnomAD v4.1: 13 of 1,549,212 alleles (0.00084%); highest among the groups gnomAD compares: East Asian, 0.0073%; no homozygotes.

Submissions (4):

CeGaT Center for Human Genetics Tuebingen
Classification: Uncertain significance. Last evaluated: 2026-03-01. Review status: criteria provided, single submitter. Criteria: CeGaT Center For Human Genetics Tuebingen Variant Classification Criteria Version 2. Collection method: clinical testing. Allele origin: germline. Affected: yes. Observed: 1 variant allele.

Labcorp Genetics (formerly Invitae), Labcorp
Classification: Uncertain significance. Last evaluated: 2024-10-08. Review status: criteria provided, single submitter. Criteria: Invitae Variant Classification Sherloc (09022015). Collection method: clinical testing. Allele origin: germline.
Comment: This sequence change replaces arginine, which is basic and polar, with glutamine, which is neutral and polar, at codon 904 of the ZSWIM6 protein (p.Arg904Gln). This variant is present in population databases (rs773561526, gnomAD 0.02%). This variant has not been reported in the literature in individuals affected with ZSWIM6-related conditions. ClinVar contains an entry for this variant (Variation ID: 1353263). Invitae Evidence Modeling of protein sequence and biophysical properties (such as structural, functional, and spatial information, amino acid conservation, physicochemical variation, residue mobility, and thermodynamic stability) indicates that this missense variant is not expected to disrupt ZSWIM6 protein function with a negative predictive value of 80%. In summary, the available evidence is currently insufficient to determine the role of this variant in disease. Therefore, it has been classified as a Variant of Uncertain Significance.

Ambry Genetics
Classification: Uncertain significance for Inborn genetic diseases. Last evaluated: 2023-06-22. Review status: criteria provided, single submitter. Criteria: Ambry Variant Classification Scheme 2023. Collection method: clinical testing. Allele origin: germline.

Juno Genomics, Hangzhou Juno Genomics, Inc
Classification: Uncertain significance for Acromelic frontonasal dysostosis; Neurodevelopmental disorder with movement abnormalities, abnormal gait, and autistic features. Review status: criteria provided, single submitter. Criteria: ACMG Guidelines, 2015. Collection method: clinical testing. Allele origin: germline.
Comment: Absent from controls (or at extremely low frequency if recessive) in Genome Aggregation Database.;Missense variant in a gene that has a low rate of benign missense variation.